The following is an entry in ClinVar:

ClinVar aggregate classification (germline): Likely benign (1 of 4 stars; one submission).

Allele frequency attached by ClinVar (database versions not stated): gnomAD exomes 0.00022; gnomAD 0.00030; TOPMed 0.00052; ExAC 0.00074; 1000 Genomes Project 30x 0.00125; 1000 Genomes Project 0.00140.
gnomAD v4.1: 396 of 1,613,978 alleles (0.025%); highest among the groups gnomAD compares: East Asian, 0.68%; 3 homozygotes.

Submission:

CeGaT Center for Human Genetics Tuebingen
Classification: Likely benign. Last evaluated: 2024-06-01. Review status: criteria provided, single submitter. Criteria: CeGaT Center For Human Genetics Tuebingen Variant Classification Criteria Version 2. Collection method: clinical testing. Allele origin: germline. Affected: yes. Observed: 1 variant allele.
Comment: DPP6: BP4, BP7

NM_130797.4(DPP6):c.2082G>A (p.Thr694=)

Gene: DPP6 (dipeptidyl peptidase like 6; plus strand). Cytogenetic location: 7q36.2.
Variant type: single nucleotide variant.
Coding change: c.2082G>A on transcript NM_130797.4 (MANE Select); coding-DNA position 2082, G replaced by A.
Protein change: p.Thr694=; no amino-acid change (threonine 694 retained).
Molecular consequence: synonymous variant. On other transcripts: non-coding transcript variant (2).
Genome position (GRCh38, 1-based): chr7:154,880,891, G>A. VCF-style: chr7-154880891-G-A. GRCh37 (hg19) VCF-style: chr7-154672601-G-A.
Other names: c.1890G>A, p.Thr630= (NM_001039350.3); c.1761G>A, p.Thr587= (NM_001290252.2); c.1899G>A, p.Thr633= (NM_001364497.2, NM_001364498.2, NM_001364499.2 and 1 more transcripts); c.1896G>A, p.Thr632= (NM_001936.5).
Identifiers: ClinVar variation 3250722 (VCV003250722.18), dbSNP rs183375220.